The following is an entry in ClinVar:

ClinVar aggregate classification (germline): Pathogenic (1 of 4 stars; one submission).

Conditions:
Developmental and epileptic encephalopathy, 23 (DEE23). Also called: Epileptic encephalopathy, early infantile, 23. Identifiers: Orphanet 411986, MedGen C4014492, MONDO:0014371, OMIM 615859.

Submission:

Labcorp Genetics (formerly Invitae), Labcorp
Classification: Pathogenic for Developmental and epileptic encephalopathy, 23. Last evaluated: 2024-06-18. Review status: criteria provided, single submitter. Criteria: Invitae Variant Classification Sherloc (09022015). Collection method: clinical testing. Allele origin: germline.
Comment: This sequence change creates a premature translational stop signal (p.Gly872Aspfs*13) in the DOCK7 gene. It is expected to result in an absent or disrupted protein product. Loss-of-function variants in DOCK7 are known to be pathogenic (PMID: 24814191). This variant is not present in population databases (gnomAD no frequency). This variant has not been reported in the literature in individuals affected with DOCK7-related conditions. For these reasons, this variant has been classified as Pathogenic.

Literature cited by the submitters: PubMed 24814191.

NM_001367561.1(DOCK7):c.2615del (p.Gly872fs)

Gene: DOCK7 (dedicator of cytokinesis 7; minus strand). Cytogenetic location: 1p31.3.
Variant type: Deletion.
Coding change: c.2615del on transcript NM_001367561.1 (MANE Select); coding-DNA position 2615, one base deleted (G; older notation c.2615delG).
Protein change: p.Gly872fs; shifts the reading frame from glycine 872.
Molecular consequence: frameshift variant.
Genome position (GRCh38, 1-based): chr1:62,552,883, C deleted on the plus strand (G on the coding strand, the reverse complement: DOCK7 is on the minus strand); the first of 2 consecutive C bases (chr1:62,552,883-62,552,884); deleting either gives the same sequence. VCF-style (leftmost placement, unchanged base first): chr1-62552882-TC-T. GRCh37 (hg19) VCF-style: chr1-63018553-TC-T.
Other names: c.2615del, p.Gly872fs (NM_001271999.2, NM_001272000.2, NM_001272001.2 and 2 more transcripts); short protein forms G872fs.
Identifiers: ClinVar variation 2755454 (VCV002755454.3), dbSNP rs2524999769, ClinGen allele CA2697552456.
Genomic context (GRCh38, chr1:62,552,882, plus strand): 5'-ATTTAAATTAAGGCTTGCAGGTCTCACCGCAGATCTAGCCATTGTGGCATAATGCACTGA[TC>T]CTCCCAAACCCCCAGGACCTAGAGTTGTATATGAAATAGCACATAATTAAAGAAAATTAG-3'